The following is an entry in ClinVar:

ClinVar aggregate classification (germline): Uncertain significance (1 of 4 stars; one submission).

Allele frequency attached by ClinVar (database versions not stated): 1000 Genomes Project 30x 0.00031.
gnomAD v4.1: 29 of 1,533,068 alleles (0.0019%); highest among the groups gnomAD compares: African/African-American, 0.012%; no homozygotes.

Submission:

Labcorp Genetics (formerly Invitae), Labcorp
Classification: Uncertain significance. Last evaluated: 2024-11-10. Review status: criteria provided, single submitter. Criteria: Invitae Variant Classification Sherloc (09022015). Collection method: clinical testing. Allele origin: germline.
Comment: This sequence change replaces arginine, which is basic and polar, with glutamine, which is neutral and polar, at codon 1111 of the COL18A1 protein (p.Arg1111Gln). The frequency data for this variant in the population databases is considered unreliable, as metrics indicate poor data quality at this position in the gnomAD database. This variant has not been reported in the literature in individuals affected with COL18A1-related conditions. ClinVar contains an entry for this variant (Variation ID: 2071133). Experimental studies and prediction algorithms are not available or were not evaluated, and the functional significance of this variant is currently unknown. In summary, the available evidence is currently insufficient to determine the role of this variant in disease. Therefore, it has been classified as a Variant of Uncertain Significance.

NM_001379500.1(COL18A1):c.3341G>A (p.Arg1114Gln)

Genes: COL18A1 (collagen type XVIII alpha 1 chain; plus strand), SLC19A1 (solute carrier family 19 member 1; minus strand). Cytogenetic location: 21q22.3.
Variant type: single nucleotide variant.
Coding change: c.3341G>A on transcript NM_001379500.1 (MANE Select); coding-DNA position 3341, G replaced by A.
Protein change: p.Arg1114Gln; replaces arginine 1114 with glutamine.
Molecular consequence: missense variant.
Genome position (GRCh38, 1-based): chr21:45,509,447, G>A. VCF-style: chr21-45509447-G-A. GRCh37 (hg19) VCF-style: chr21-46929361-G-A.
Other names: c.3872G>A, p.Arg1291Gln (NM_030582.4); c.4577G>A, p.Arg1526Gln (NM_130444.3); short protein forms R1526Q, R1291Q, R1114Q.
Identifiers: ClinVar variation 2071133 (VCV002071133.2), dbSNP rs112359725, ClinGen allele CA321923431.